The following is an entry in ClinVar:

ClinVar aggregate classification (germline): Uncertain significance (1 of 4 stars; one submission).

Allele frequency attached by ClinVar (database versions not stated): TOPMed below 0.00001; gnomAD 0.00001.
gnomAD v4.1: 1 of 1,614,008 alleles (0.000062%); highest among the groups gnomAD compares: African/African-American, 0.0013%; no homozygotes.

Submission:

GeneDx
Classification: Uncertain significance. Last evaluated: 2022-01-07. Review status: criteria provided, single submitter. Criteria: GeneDx Variant Classification Process June 2021. Collection method: clinical testing. Allele origin: germline. Affected: yes.
Comment: Not observed at significant frequency in large population cohorts (gnomAD); In silico analysis supports that this missense variant has a deleterious effect on protein structure/function; Has not been previously published as pathogenic or benign to our knowledge; This variant is associated with the following publications: (PMID: 26100331, 25512093, 25609763)

NM_001376.5(DYNC1H1):c.2921C>A (p.Pro974Gln)

Genes: DYNC1H1 (dynein cytoplasmic 1 heavy chain 1; plus strand), LOC130056502 (ATAC-STARR-seq lymphoblastoid active region 9063; plus strand). Cytogenetic location: 14q32.31.
Variant type: single nucleotide variant.
Coding change: c.2921C>A on transcript NM_001376.5 (MANE Select); coding-DNA position 2921, C replaced by A.
Protein change: p.Pro974Gln; replaces proline 974 with glutamine.
Molecular consequence: missense variant.
Genome position (GRCh38, 1-based): chr14:101,991,579, C>A. VCF-style: chr14-101991579-C-A. GRCh37 (hg19) VCF-style: chr14-102457916-C-A.
Other names: short protein forms P974Q.
Identifiers: ClinVar variation 1695849 (VCV001695849.2), dbSNP rs1219376694, ClinGen allele CA391030295.